The following is an entry in ClinVar:

ClinVar aggregate classification (germline): Uncertain significance (1 of 4 stars; one submission).

gnomAD v4.1: 2 of 1,614,000 alleles (0.00012%); highest among the groups gnomAD compares: South Asian, 0.0022%; no homozygotes.

Submission:

Mayo Clinic Laboratories, Mayo Clinic
Classification: Uncertain significance. Last evaluated: 2025-06-03. Review status: criteria provided, single submitter. Criteria: ACMG Guidelines, 2015. Collection method: clinical testing. Allele origin: germline. Observed: 1 variant allele.
Comment: BP4_moderate, PM2_supporting

NM_000324.3(RHAG):c.89A>G (p.Gln30Arg)

Gene: RHAG (Rh associated glycoprotein; minus strand). Cytogenetic location: 6p12.3.
Variant type: single nucleotide variant.
Coding change: c.89A>G on transcript NM_000324.3 (MANE Select); coding-DNA position 89, A replaced by G.
Protein change: p.Gln30Arg; replaces glutamine 30 with arginine.
Molecular consequence: missense variant.
Genome position (GRCh38, 1-based): chr6:49,636,724, T>C on the plus strand (A>G on the coding strand, the complement: RHAG is on the minus strand). VCF-style: chr6-49636724-T-C. GRCh37 (hg19) VCF-style: chr6-49604437-T-C.
Other names: p.Gln30Arg; short protein forms Q30R.
Identifiers: ClinVar variation 4541164 (VCV004541164.1).